The following is an entry in ClinVar:

NM_020207.7(ERCC6L2):c.2394G>T (p.Leu798Phe)

Gene: ERCC6L2 (ERCC excision repair 6 like 2; plus strand). Cytogenetic location: 9q22.32.
Variant type: single nucleotide variant.
Coding change: c.2394G>T on transcript NM_020207.7 (MANE Select); coding-DNA position 2394, G replaced by T.
Protein change: p.Leu798Phe; replaces leucine 798 with phenylalanine.
Molecular consequence: missense variant. On other transcripts: non-coding transcript variant (1).
Genome position (GRCh38, 1-based): chr9:95,972,145, G>T. VCF-style: chr9-95972145-G-T. GRCh37 (hg19) VCF-style: chr9-98734427-G-T.
Other names: c.2394G>T, p.Leu798Phe (NM_001375291.1, NM_001375292.1, NM_001375293.1 and 1 more transcripts); short protein forms L798F.
Identifiers: ClinVar variation 1987376 (VCV001987376.3), dbSNP rs565251386, ClinGen allele CA5139818.

ClinVar aggregate classification (germline): Uncertain significance (1 of 4 stars; one submission).

Allele frequency attached by ClinVar (database versions not stated): TOPMed 0.00001; gnomAD 0.00005; gnomAD exomes 0.00005; 1000 Genomes Project 30x 0.00031; 1000 Genomes Project 0.00040; ExAC 0.00049.
gnomAD v4.1: 64 of 1,304,228 alleles (0.0049%); highest among the groups gnomAD compares: South Asian, 0.077%; no homozygotes.

Submission:

Labcorp Genetics (formerly Invitae), Labcorp
Classification: Uncertain significance. Last evaluated: 2025-08-04. Review status: criteria provided, single submitter. Criteria: Invitae Variant Classification Sherloc (09022015). Collection method: clinical testing. Allele origin: germline.
Comment: This sequence change replaces leucine, which is neutral and non-polar, with phenylalanine, which is neutral and non-polar, at codon 809 of the ERCC6L2 protein (p.Leu809Phe). This variant is present in population databases (rs565251386, gnomAD 0.1%). This variant has not been reported in the literature in individuals affected with ERCC6L2-related conditions. ClinVar contains an entry for this variant (Variation ID: 1987376). Experimental studies and prediction algorithms are not available or were not evaluated, and the functional significance of this variant is currently unknown. In summary, the available evidence is currently insufficient to determine the role of this variant in disease. Therefore, it has been classified as a Variant of Uncertain Significance.